The following is an entry in ClinVar:

NM_002609.4(PDGFRB):c.419C>T (p.Thr140Met)

Gene: PDGFRB (platelet derived growth factor receptor beta; minus strand). Cytogenetic location: 5q32.
Variant type: single nucleotide variant.
Coding change: c.419C>T on transcript NM_002609.4 (MANE Select); coding-DNA position 419, C replaced by T.
Protein change: p.Thr140Met; replaces threonine 140 with methionine.
Molecular consequence: missense variant. On other transcripts: 5 prime UTR variant (1).
Genome position (GRCh38, 1-based): chr5:150,134,962, G>A on the plus strand (C>T on the coding strand, the complement: PDGFRB is on the minus strand). VCF-style: chr5-150134962-G-A. GRCh37 (hg19) VCF-style: chr5-149514525-G-A.
Other names: c.227C>T, p.Thr76Met (NM_001355016.2); c.-99C>T (NM_001355017.2); short protein forms T140M, T76M.
Identifiers: ClinVar variation 1304805 (VCV001304805.8), dbSNP rs138830253, ClinGen allele CA3508311.
Genomic context (GRCh38, chr5:150,134,962, plus strand): 5'-AGTGTCACCACCAGCTGTGGGTCTGTTACTCGGCATGGAATGGTGATCTCAGTTATTTCC[G>A]TGAGAAAGATGAATAGTTCCTCGGCATCATTAGGGAGGAAGCCCACGGTGGGATCTGCCA-3'
Protein context (NP_002600.1, residues 130-150): NDAEELFIFL[Thr140Met]EITEITIPCR

ClinVar aggregate classification (germline): Conflicting classifications of pathogenicity. Review status: criteria provided, conflicting classifications (1 of 4 stars). 3 submissions from 3 submitters: Uncertain significance (2); Likely benign (1). Last evaluated 2024-02-02.

Conditions:
Myofibromatosis, infantile, 1. Also called: Myofibromatosis, juvenile. Identifiers: Orphanet 2591, MedGen C4551572, MONDO:0009227, OMIM 228550.
Idiopathic basal ganglia calcification 1 (PFBC1A). Also called: PRIMARY FAMILIAL BRAIN CALCIFICATION 1A, AUTOSOMAL DOMINANT; Fahr's syndrome; Cerebral calcification nonarteriosclerotic idiopathic adult-onset; Striopallidodentate calcinosis autosomal dominant adult-onset; Ferrocalcinosis, cerebrovascular; Fahr disease, familial (formerly). Identifiers: Orphanet 1980, MedGen C4551624, MONDO:0024538, OMIM 213600.
Myeloproliferative disorder, chronic, with eosinophilia. Also called: EOSINOPHILS, MALIGNANT PROLIFERATION OF; Malignant eosinophil proliferation. Identifiers: MedGen C1851585, MONDO:0007546, OMIM 131440, HP:0006782.
Acroosteolysis-keloid-like lesions-premature aging syndrome. Also called: Progeroid syndrome, Penttinen type; Premature aging syndrome, Penttinen type; Prematurely aged appearance, delayed bone maturation, acro-osteolysis, and brachydactyly. Identifiers: Orphanet 363665, MedGen C1866182, MONDO:0011150, OMIM 601812.
Basal ganglia calcification, idiopathic, 4 (PFBC4). Also called: PRIMARY FAMILIAL BRAIN CALCIFICATION 4, AUTOSOMAL DOMINANT; Familial Idiopathic Basal Ganglia Calcification 4. Identifiers: Orphanet 1980, MedGen C3554321, MONDO:0014004, OMIM 615007.
Skeletal overgrowth-craniofacial dysmorphism-hyperelastic skin-white matter lesions syndrome. Also called: SKELETAL OVERGROWTH WITH FACIAL DYSMORPHISM, HYPERELASTIC SKIN, WHITE MATTER LESIONS, AND NEUROLOGIC DETERIORATION; Kosaki overgrowth syndrome. Identifiers: Orphanet 477831, MedGen C4225270, MONDO:0014704, OMIM 616592.
Infantile myofibromatosis (IMF). Also called: Congenital generalized fibromatosis. Identifiers: Orphanet 2591, MedGen C0432284, MONDO:0016824.

Allele frequency attached by ClinVar (database versions not stated): TOPMed 0.00002; ExAC 0.00008; gnomAD 0.00001 and 0.00002; gnomAD exomes 0.00002 and 0.00004; ESP Exome Variant Server 0.00008.
gnomAD v4.1: 36 of 1,613,208 alleles (0.0022%); highest among the groups gnomAD compares: Middle Eastern, 0.017%; no homozygotes.

Submissions (3):

Labcorp Genetics (formerly Invitae), Labcorp
Classification: Likely benign for Basal ganglia calcification, idiopathic, 4; Skeletal overgrowth-craniofacial dysmorphism-hyperelastic skin-white matter lesions syndrome; Infantile myofibromatosis; Acroosteolysis-keloid-like lesions-premature aging syndrome. Last evaluated: 2024-02-02. Review status: criteria provided, single submitter. Criteria: Invitae Variant Classification Sherloc (09022015). Collection method: clinical testing. Allele origin: germline.

GeneDx
Classification: Uncertain significance. Last evaluated: 2022-12-02. Review status: criteria provided, single submitter. Criteria: GeneDx Variant Classification Process June 2021. Collection method: clinical testing. Allele origin: germline. Affected: yes.
Comment: In silico analysis supports that this missense variant has a deleterious effect on protein structure/function; Has not been previously published as a pathogenic or benign germline variant to our knowledge; This variant is associated with the following publications: (PMID: 35326522)

Fulgent Genetics
Classification: Uncertain significance for Myeloproliferative disorder, chronic, with eosinophilia; Idiopathic basal ganglia calcification 1; Myofibromatosis, infantile, 1; Acroosteolysis-keloid-like lesions-premature aging syndrome; Basal ganglia calcification, idiopathic, 4; Skeletal overgrowth-craniofacial dysmorphism-hyperelastic skin-white matter lesions syndrome. Last evaluated: 2021-10-18. Review status: criteria provided, single submitter. Criteria: ACMG Guidelines, 2015. Collection method: clinical testing. Allele origin: unknown.